The following is an entry in ClinVar:

ClinVar aggregate classification (germline): other (0 of 4 stars; one submission).

Conditions:
Familial colorectal cancer. Identifiers: MedGen CN280943, MONDO:0023113. Disease mechanism: loss of function.

Submission:

Systems Biology Platform Zhejiang California International NanoSystems Institute
Classification: other for Familial colorectal cancer. Review status: no assertion criteria provided. Collection method: not provided. Allele origin: unknown.
ClinVar note: Converted during submission from cancer to other.

NM_000038.6(APC):c.-19+8469A>C

Gene: APC (APC regulator of WNT signaling pathway; plus strand). Cytogenetic location: 5q22.2.
Variant type: single nucleotide variant.
Coding change: c.-19+8469A>C on transcript NM_000038.6 (MANE Select); 8469 bases into the intron after 19 bases upstream of the start codon, A replaced by C.
Molecular consequence: intron variant.
Genome position (GRCh38, 1-based): chr5:112,746,394, A>C. VCF-style: chr5-112746394-A-C. GRCh37 (hg19) VCF-style: chr5-112082091-A-C.
Other names: c.-18-8479A>C (NM_001354895.2); c.166-19932A>C (NM_001354897.2, NM_001354902.2, NM_001127511.3); c.-19+7934A>C (NM_001127510.3); c.60+7934A>C (NM_001354898.2, NM_001354904.2); c.-1054+8469A>C (NM_001354906.2); c.-19+8469A>C (NM_001354896.2, NM_001354903.2, NM_001354899.2); c.-43+8469A>C (NM_001354900.2, NM_001354901.2, NM_001354905.2).
Identifiers: ClinVar variation 82782 (VCV000082782.2), dbSNP rs76147666, ClinGen allele CA007108.